The following is an entry in ClinVar:

NM_003060.4(SLC22A5):c.671del (p.Lys224fs)

Gene: SLC22A5 (solute carrier family 22 member 5; plus strand). Cytogenetic location: 5q31.1.
Variant type: Deletion.
Coding change: c.671del on transcript NM_003060.4 (MANE Select); coding-DNA position 671, one base deleted (A; older notation c.671delA).
Protein change: p.Lys224fs; shifts the reading frame from lysine 224.
Molecular consequence: frameshift variant.
Genome position (GRCh38, 1-based): chr5:132,385,346, A deleted; the last of 2 consecutive A bases (chr5:132,385,345-132,385,346); deleting either gives the same sequence. VCF-style (leftmost placement, unchanged base first): chr5-132385344-CA-C. GRCh37 (hg19) VCF-style: chr5-131721036-CA-C.
Other names: c.743del, p.Lys248fs (NM_001308122.2); short protein forms K224fs, K248fs.
Identifiers: ClinVar variation 2843727 (VCV002843727.4), dbSNP rs2532120119, ClinGen allele CA2739275027.

ClinVar aggregate classification (germline): Pathogenic/Likely pathogenic. Review status: criteria provided, multiple submitters, no conflicts (2 of 4 stars). 2 submissions from 2 submitters: Pathogenic (1); Likely pathogenic (1). Last evaluated 2024-03-06.

Conditions:
Renal carnitine transport defect (CDSP). Also called: Primary carnitine deficiency; Systemic primary carnitine deficiency; Carnitine transporter deficiency; CARNITINE DEFICIENCY, SYSTEMIC, DUE TO DEFECT IN RENAL REABSORPTION OF CARNITINE; CARNITINE TRANSPORTER, PLASMA-MEMBRANE, DEFICIENCY OF; CARNITINE UPTAKE DEFECT. Identifiers: Orphanet 158, MedGen C0342788, MONDO:0008919, OMIM 212140.

Submissions (2):

Fulgent Genetics
Classification: Likely pathogenic for Renal carnitine transport defect. Last evaluated: 2024-03-06. Review status: criteria provided, single submitter. Criteria: ACMG Guidelines, 2015. Collection method: clinical testing. Allele origin: germline.

Labcorp Genetics (formerly Invitae), Labcorp
Classification: Pathogenic for Renal carnitine transport defect. Last evaluated: 2023-03-08. Review status: criteria provided, single submitter. Criteria: Invitae Variant Classification Sherloc (09022015). Collection method: clinical testing. Allele origin: germline.
Comment: This sequence change creates a premature translational stop signal (p.Lys224Serfs*5) in the SLC22A5 gene. It is expected to result in an absent or disrupted protein product. Loss-of-function variants in SLC22A5 are known to be pathogenic (PMID: 9916797). This variant is not present in population databases (gnomAD no frequency). This variant has not been reported in the literature in individuals affected with SLC22A5-related conditions. For these reasons, this variant has been classified as Pathogenic.

Literature cited by the submitters: PubMed 9916797 (cited by Labcorp Genetics (formerly Invitae), Labcorp).